The following is an entry in ClinVar:

NM_001103.4(ACTN2):c.1698C>T (p.Pro566=)

Gene: ACTN2 (actinin alpha 2; plus strand). Cytogenetic location: 1q43.
Variant type: single nucleotide variant.
Coding change: c.1698C>T on transcript NM_001103.4 (MANE Select); coding-DNA position 1698, C replaced by T.
Protein change: p.Pro566=; no amino-acid change (proline 566 retained).
Molecular consequence: synonymous variant.
Genome position (GRCh38, 1-based): chr1:236,751,511, C>T. VCF-style: chr1-236751511-C-T. GRCh37 (hg19) VCF-style: chr1-236914811-C-T.
Other names: c.1698C>T, p.Pro566= (NM_001278343.2); c.1074C>T, p.Pro358= (NM_001278344.2).
Identifiers: ClinVar variation 385343 (VCV000385343.17), dbSNP rs148961019, ClinGen allele CA1473228.
Genomic context (GRCh38, chr1:236,751,511, plus strand): 5'-ACTTGTGTCTCGGGTGTAGAGTCTGATCACTGCGCATGAGCAGTTCAAGGCCACGCTGCC[C>T]GAGGCGGACGGAGAGCGGCAGTCCATCATGGCCATCCAGAACGAGGTGGAGAAGGTGATT-3'
Protein context (NP_001094.1, residues 556-576): TAHEQFKATL[Pro566=]EADGERQSIM

ClinVar aggregate classification (germline): Likely benign. Review status: criteria provided, multiple submitters, no conflicts (2 of 4 stars). 4 submissions from 4 submitters: Likely benign (4). Last evaluated 2025-11-21.

Conditions:
Dilated cardiomyopathy 1AA (CMD1AA). Also called: Cardiomyopathy, dilated, 1AA, with or without LVNC; CARDIOMYOPATHY, DILATED, 1AA, WITH OR WITHOUT LEFT VENTRICULAR NONCOMPACTION; CARDIOMYOPATHY, FAMILIAL HYPERTROPHIC, 23, WITH OR WITHOUT LEFT VENTRICULAR NONCOMPACTION. Identifiers: Orphanet 154, MedGen C2677338, MONDO:0012808, OMIM 612158.
Primary familial hypertrophic cardiomyopathy (HCM). Identifiers: Orphanet 99739, MedGen C0949658, MeSH D024741, MONDO:0024573. Inheritance: Various modes of inheritance.
Cardiovascular phenotype. Identifiers: MedGen CN230736.

Allele frequency attached by ClinVar (database versions not stated): gnomAD exomes 0.00002; TOPMed 0.00003; ExAC 0.00004; gnomAD 0.00006; ESP Exome Variant Server 0.00008; 1000 Genomes Project 30x 0.00016.
gnomAD v4.1: 22 of 1,614,104 alleles (0.0014%); highest among the groups gnomAD compares: East Asian, 0.0089%; no homozygotes.

Submissions (4):

Labcorp Genetics (formerly Invitae), Labcorp
Classification: Likely benign for Primary familial hypertrophic cardiomyopathy; Dilated cardiomyopathy 1AA. Last evaluated: 2025-11-21. Review status: criteria provided, single submitter. Criteria: Invitae Variant Classification Sherloc (09022015). Collection method: clinical testing. Allele origin: germline.

Ambry Genetics
Classification: Likely benign for Cardiovascular phenotype. Last evaluated: 2022-05-30. Review status: criteria provided, single submitter. Criteria: Ambry Variant Classification Scheme 2023. Collection method: clinical testing. Allele origin: germline.

GeneDx
Classification: Likely benign. Last evaluated: 2018-07-25. Review status: criteria provided, single submitter. Criteria: GeneDx Variant Classification Process June 2021. Collection method: clinical testing. Allele origin: germline. Affected: yes.

Laboratory for Molecular Medicine, Mass General Brigham Personalized Medicine
Classification: Likely benign. Last evaluated: 2017-11-22. Review status: criteria provided, single submitter. Criteria: LMM Criteria. Collection method: clinical testing. Allele origin: germline. Observed: 1 variant allele.
Comment: p.Pro566Pro in Exon 15 of ACTN2: This variant is not expected to have clinical s ignificance because it does not alter an amino acid residue and is not located w ithin the splice consensus sequence. It has been identified in 7/277162 chromoso mes by the Genome Aggregation Database with the highest frequency of 4/24018 in African chromosomes (gnomAD; dbSNP rs148961019 ).